The following is an entry in ClinVar:

NM_002485.5(NBN):c.1287T>A (p.Tyr429Ter)

Gene: NBN (nibrin; minus strand). Cytogenetic location: 8q21.3.
Variant type: single nucleotide variant.
Coding change: c.1287T>A on transcript NM_002485.5 (MANE Select); coding-DNA position 1287, T replaced by A.
Protein change: p.Tyr429Ter; replaces tyrosine 429 with a stop codon.
Molecular consequence: nonsense.
Genome position (GRCh38, 1-based): chr8:89,955,393, A>T on the plus strand (T>A on the coding strand, the complement: NBN is on the minus strand). VCF-style: chr8-89955393-A-T. GRCh37 (hg19) VCF-style: chr8-90967621-A-T.
Other names: c.1041T>A, p.Tyr347Ter (NM_001024688.3); short protein forms Y347*, Y429*.
Identifiers: ClinVar variation 1769001 (VCV001769001.10), dbSNP rs1554559152, ClinGen allele CA371656192.

ClinVar aggregate classification (germline): Pathogenic/Likely pathogenic. Review status: criteria provided, multiple submitters, no conflicts (2 of 4 stars). 5 submissions from 5 submitters: Pathogenic (2); Likely pathogenic (3). Last evaluated 2025-04-14.

Conditions:
Aplastic anemia. Identifiers: Orphanet 182040, Orphanet 88, MedGen C0002874, MONDO:0015909, OMIM 609135, HP:0001915.
Microcephaly, normal intelligence and immunodeficiency (NBS). Also called: IMMUNODEFICIENCY, MICROCEPHALY, AND CHROMOSOMAL INSTABILITY; SEEMANOVA SYNDROME II; Nijmegen breakage syndrome; Microcephaly with normal intelligence immunodeficiency and lymphoreticular malignancies; Nonsyndromal microcephaly autosomal recessive with normal intelligence; Seemanova syndrome 2. Identifiers: Orphanet 647, MedGen C0398791, MONDO:0009623, OMIM 251260.
Acute lymphoid leukemia (ALL). Also called: Acute lymphoblastic leukemia; Acute lymphocytic leukemia; Leukemia, acute lymphoblastic, somatic; Lymphoblastic leukemia. Identifiers: Orphanet 513, MedGen C0023449, MONDO:0004967, OMIM 613065, HP:0006721.
Hereditary cancer-predisposing syndrome. Also called: Tumor predisposition; Neoplastic Syndromes, Hereditary; Hereditary Cancer Syndrome; Hereditary neoplastic syndrome. Identifiers: Orphanet 140162, MedGen C0027672, MeSH D009386, MONDO:0015356.

Allele frequency attached by ClinVar (database versions not stated): gnomAD exomes below 0.00001.
gnomAD v4.1: 1 of 1,613,778 alleles (0.000062%); highest among the groups gnomAD compares: South Asian, 0.0011%; no homozygotes.

Submissions (5):

Natera, Inc.
Classification: Likely pathogenic for Nijmegen breakage syndrome. Last evaluated: 2025-04-14. Review status: criteria provided, single submitter. Criteria: Natera Variant Classification Schema (03/2026). Collection method: clinical testing. Allele origin: germline.
Comment: The c.1287T>A variant in NBN is a nonsense variant predicted to introduce a stop codon at amino acid 429. This variant is expected to result in nonsense mediated decay, truncation, or a dysfunctional protein product. This variant is rare in the general population with a frequency below the threshold expected for the associated phenotype(s). Given the available evidence, this variant is classified as Likely Pathogenic.

Fulgent Genetics
Classification: Likely pathogenic for Microcephaly, normal intelligence and immunodeficiency; Aplastic anemia; Acute lymphoid leukemia. Last evaluated: 2024-04-22. Review status: criteria provided, single submitter. Criteria: ACMG Guidelines, 2015. Collection method: clinical testing. Allele origin: germline.

Baylor Genetics
Classification: Likely pathogenic for Aplastic anemia. Last evaluated: 2024-01-20. Review status: criteria provided, single submitter. Criteria: ACMG Guidelines, 2015. Collection method: clinical testing. Allele origin: unknown.

Labcorp Genetics (formerly Invitae), Labcorp
Classification: Pathogenic for Microcephaly, normal intelligence and immunodeficiency. Last evaluated: 2023-10-04. Review status: criteria provided, single submitter. Criteria: Invitae Variant Classification Sherloc (09022015). Collection method: clinical testing. Allele origin: germline.
Comment: This sequence change creates a premature translational stop signal (p.Tyr429*) in the NBN gene. It is expected to result in an absent or disrupted protein product. Loss-of-function variants in NBN are known to be pathogenic (PMID: 9590180, 16415040). This variant is not present in population databases (gnomAD no frequency). This variant has not been reported in the literature in individuals affected with NBN-related conditions. ClinVar contains an entry for this variant (Variation ID: 1769001). For these reasons, this variant has been classified as Pathogenic.

Ambry Genetics
Classification: Pathogenic for Hereditary cancer-predisposing syndrome. Last evaluated: 2019-10-16. Review status: criteria provided, single submitter. Criteria: Ambry Variant Classification Scheme 2023. Collection method: clinical testing. Allele origin: germline.
Comment: The p.Y429* pathogenic mutation (also known as c.1287T>A), located in coding exon 10 of the NBN gene, results from a T to A substitution at nucleotide position 1287. This changes the amino acid from a tyrosine to a stop codon within coding exon 10. This alteration is expected to result in loss of function by premature protein truncation or nonsense-mediated mRNA decay. As such, this alteration is interpreted as a disease-causing mutation.

Literature cited by the submitters: PubMed 9590180 (cited by Labcorp Genetics (formerly Invitae), Labcorp); PubMed 16415040 (cited by Labcorp Genetics (formerly Invitae), Labcorp).